The following is an entry in ClinVar:

ClinVar aggregate classification (germline): Benign (1 of 4 stars; one submission).

Allele frequency attached by ClinVar (database versions not stated): 1000 Genomes Project 0.80032; 1000 Genomes Project 30x 0.80372; TOPMed 0.83130; gnomAD 0.83498 and 0.84124.
gnomAD v4.1: 126,941 of 152,176 alleles (83%); highest among the groups gnomAD compares: African/African-American, 90%; 53,107 homozygotes.

Submission:

GeneDx
Classification: Benign. Last evaluated: 2018-06-14. Review status: criteria provided, single submitter. Criteria: GeneDx Variant Classification (06012015). Collection method: clinical testing. Allele origin: germline. Affected: yes.
Comment: This variant is considered likely benign or benign based on one or more of the following criteria: it is a conservative change, it occurs at a poorly conserved position in the protein, it is predicted to be benign by multiple in silico algorithms, and/or has population frequency not consistent with disease.

NM_182961.4(SYNE1):c.10299+197T>C

Gene: SYNE1 (spectrin repeat containing nuclear envelope protein 1; minus strand). Cytogenetic location: 6q25.2.
Variant type: single nucleotide variant.
Coding change: c.10299+197T>C on transcript NM_182961.4 (MANE Select); 197 bases into the intron after coding-DNA position 10299, T replaced by C.
Molecular consequence: intron variant.
Genome position (GRCh38, 1-based): chr6:152,361,973, A>G on the plus strand (T>C on the coding strand, the complement: SYNE1 is on the minus strand). VCF-style: chr6-152361973-A-G. GRCh37 (hg19) VCF-style: chr6-152683108-A-G.
Other names: c.10320+197T>C (NM_033071.5).
Identifiers: ClinVar variation 670162 (VCV000670162.1), dbSNP rs6557215, ClinGen allele CA15457318.